The following is an entry in ClinVar:

ClinVar aggregate classification (germline): Uncertain significance (1 of 4 stars; one submission).

Conditions:
Hereditary cancer-predisposing syndrome. Also called: Neoplastic Syndromes, Hereditary; Hereditary Cancer Syndrome; Tumor predisposition; Hereditary neoplastic syndrome. Identifiers: Orphanet 140162, MedGen C0027672, MeSH D009386, MONDO:0015356.

Submission:

Ambry Genetics
Classification: Uncertain significance for Hereditary cancer-predisposing syndrome. Last evaluated: 2024-12-19. Review status: criteria provided, single submitter. Criteria: Ambry Variant Classification Scheme 2023. Collection method: clinical testing. Allele origin: germline.
Comment: The p.R386L variant (also known as c.1157G>T), located in coding exon 9 of the POLD1 gene, results from a G to T substitution at nucleotide position 1157. The arginine at codon 386 is replaced by leucine, an amino acid with dissimilar properties. This amino acid position is conserved. In addition, this alteration is predicted to be tolerated by in silico analysis. Based on the available evidence, the clinical significance of this variant remains unclear.

NM_002691.4(POLD1):c.1157G>T (p.Arg386Leu)

Gene: POLD1 (DNA polymerase delta 1, catalytic subunit; plus strand). Cytogenetic location: 19q13.33.
Variant type: single nucleotide variant.
Coding change: c.1157G>T on transcript NM_002691.4 (MANE Select); coding-DNA position 1157, G replaced by T.
Protein change: p.Arg386Leu; replaces arginine 386 with leucine.
Molecular consequence: missense variant. On other transcripts: non-coding transcript variant (1).
Genome position (GRCh38, 1-based): chr19:50,403,512, G>T. VCF-style: chr19-50403512-G-T. GRCh37 (hg19) VCF-style: chr19-50906769-G-T.
Other names: c.1157G>T, p.Arg386Leu (NM_001256849.1, NM_001308632.1); short protein forms R386L.
Identifiers: ClinVar variation 3781367 (VCV003781367.1).